The following is an entry in ClinVar:

ClinVar aggregate classification (germline): Uncertain significance. Review status: criteria provided, multiple submitters, no conflicts (2 of 4 stars). 2 submissions from 2 submitters: Uncertain significance (2). Last evaluated 2025-03-20.

Conditions:
Hereditary cancer-predisposing syndrome. Also called: Neoplastic Syndromes, Hereditary; Tumor predisposition; Hereditary Cancer Syndrome; Hereditary neoplastic syndrome. Identifiers: Orphanet 140162, MedGen C0027672, MeSH D009386, MONDO:0015356.

Submissions (2):

Molecular Diagnostics Laboratory, Catalan Institute of Oncology
Classification: Uncertain significance for Hereditary cancer-predisposing syndrome. Last evaluated: 2025-03-20. Review status: criteria provided, single submitter. Criteria: ACMG Guidelines, 2015. Collection method: clinical testing. Allele origin: germline.
Comment: PM2_Supporting, BP4 c.2891C>A, located in exon 19 of the BRIP1 gene, is predicted to result in the substitution of serine by tyrosine at codon 964, p.(Ser964Tyr). It is not present in the population database gnomAD v2.1.1, non cancer dataset (PM2_supporting). The SpliceAI algorithm predicts no significant impact on splicing and the REVEL meta-predictor score for this variant (0.201) suggests that it does not affect the protein function according Pejaver 2022 thresholds (PMID: 36413997) (BP4). To our knowledge, neither relevant clinical data nor well-stablished functional studies have been reported for this variant. Moreover, it has only been reported once in ClinVar, as an uncertain significance variant. Based on the currently available information, c.2891C>A is classified as an uncertain significance variant according to ACMG guidelines.

Color Diagnostics, LLC DBA Color Health
Classification: Uncertain significance for Hereditary cancer-predisposing syndrome. Last evaluated: 2023-12-11. Review status: criteria provided, single submitter. Criteria: ACMG Guidelines, 2015. Collection method: clinical testing. Allele origin: germline.
Comment: This missense variant replaces serine with tyrosine at codon 964 of the BRIP1 protein. Computational prediction suggests that this variant may not impact protein structure and function (internally defined REVEL score threshold <= 0.5, PMID: 27666373). To our knowledge, functional studies have not been reported for this variant. This variant has not been reported in individuals affected with BRIP1-related disorders in the literature. This variant has not been identified in the general population by the Genome Aggregation Database (gnomAD). The available evidence is insufficient to determine the role of this variant in disease conclusively. Therefore, this variant is classified as a Variant of Uncertain Significance.

NM_032043.3(BRIP1):c.2891C>A (p.Ser964Tyr)

Gene: BRIP1 (BRCA1 interacting DNA helicase 1; minus strand). Cytogenetic location: 17q23.2.
Variant type: single nucleotide variant.
Coding change: c.2891C>A on transcript NM_032043.3 (MANE Select); coding-DNA position 2891, C replaced by A.
Protein change: p.Ser964Tyr; replaces serine 964 with tyrosine.
Molecular consequence: missense variant.
Genome position (GRCh38, 1-based): chr17:61,685,850, G>T on the plus strand (C>A on the coding strand, the complement: BRIP1 is on the minus strand). VCF-style: chr17-61685850-G-T. GRCh37 (hg19) VCF-style: chr17-59763211-G-T.
Other names: short protein forms S964Y.
Identifiers: ClinVar variation 2774988 (VCV002774988.3), dbSNP rs2144107858, ClinGen allele CA400481154.
Genomic context (GRCh38, chr17:61,685,850, plus strand): 5'-ATGAAAGACTTCTCTATCAAAGGTAAATGGGAAGAACTTTTCATACTTTTCTCCTTTCTG[G>T]AGATAATGCTACTTGGTAGAGGTGAATTTTTGGTAATAATTTTAGGACACTGTAGTTCCT-3'
Protein context (NP_114432.2, residues 954-974): KNSPLPSSII[Ser964Tyr]RKEKNDPVFL